The following is an entry in ClinVar:

NM_002465.4(MYBPC1):c.793C>G (p.Arg265Gly)

Gene: MYBPC1 (myosin binding protein C1; plus strand). Cytogenetic location: 12q23.2.
Variant type: single nucleotide variant.
Coding change: c.793C>G on transcript NM_002465.4 (MANE Select); coding-DNA position 793, C replaced by G.
Protein change: p.Arg265Gly; replaces arginine 265 with glycine.
Molecular consequence: missense variant.
Genome position (GRCh38, 1-based): chr12:101,642,546, C>G. VCF-style: chr12-101642546-C-G. GRCh37 (hg19) VCF-style: chr12-102036324-C-G.
Other names: c.718C>G, p.Arg240Gly (NM_001254718.3, NM_001254719.3, NM_206820.4 and 1 more transcripts); c.682C>G, p.Arg228Gly (NM_001254720.3); c.661C>G, p.Arg221Gly (NM_001254721.3, NM_001404676.1, NM_001404678.1); c.640C>G, p.Arg214Gly (NM_001254722.3, NM_001404680.1); c.679C>G, p.Arg227Gly (NM_001254723.3); c.793C>G, p.Arg265Gly (NM_001404675.1, NM_206819.4); c.583C>G, p.Arg195Gly (NM_001404677.1, NM_001404679.1, NM_001404681.1); short protein forms R195G, R214G, R221G, R227G, R228G, R240G, R265G.
Identifiers: ClinVar variation 1801331 (VCV001801331.3), dbSNP rs2547560732, ClinGen allele CA386280703.

ClinVar aggregate classification (germline): Likely pathogenic. Review status: criteria provided, multiple submitters, no conflicts (2 of 4 stars). 2 submissions from 2 submitters: Likely pathogenic (2). Last evaluated 2025-02-19.

Conditions:
Arthrogryposis, distal, type 1B. Identifiers: Orphanet 1146, MedGen C3280526, MONDO:0013698, OMIM 614335.

Submissions (2):

GeneDx
Classification: Likely pathogenic. Last evaluated: 2025-02-19. Review status: criteria provided, single submitter. Criteria: GeneDx Variant Classification Process June 2021. Collection method: clinical testing. Allele origin: germline. Affected: yes.
Comment: Not observed at significant frequency in large population cohorts (gnomAD); In silico analysis supports that this missense variant has a deleterious effect on protein structure/function; Has not been previously published as pathogenic or benign to our knowledge

Institute of Human Genetics, Heidelberg University
Classification: Likely pathogenic for Arthrogryposis, distal, type 1B. Last evaluated: 2022-11-21. Review status: criteria provided, single submitter. Criteria: ACMG Guidelines, 2015. Collection method: clinical testing. Allele origin: germline. Affected: yes.